The following is an entry in ClinVar:

NM_021620.4(PRDM13):c.634C>T (p.Pro212Ser)

Gene: PRDM13 (PR/SET domain 13; plus strand). Cytogenetic location: 6q16.2.
Variant type: single nucleotide variant.
Coding change: c.634C>T on transcript NM_021620.4 (MANE Select); coding-DNA position 634, C replaced by T.
Protein change: p.Pro212Ser; replaces proline 212 with serine.
Molecular consequence: missense variant.
Genome position (GRCh38, 1-based): chr6:99,613,269, C>T. VCF-style: chr6-99613269-C-T. GRCh37 (hg19) VCF-style: chr6-100061145-C-T.
Other names: short protein forms P212S.
Identifiers: ClinVar variation 938639 (VCV000938639.9), dbSNP rs571366042, ClinGen allele CA3936247.

ClinVar aggregate classification (germline): Uncertain significance. Review status: criteria provided, multiple submitters, no conflicts (2 of 4 stars). 2 submissions from 2 submitters: Uncertain significance (2). Last evaluated 2025-05-14.

Conditions:
Inborn genetic diseases. Identifiers: MedGen C0950123, MeSH D030342.

Allele frequency attached by ClinVar (database versions not stated): 1000 Genomes Project 30x 0.00016; 1000 Genomes Project 0.00020.
gnomAD v4.1: 38 of 1,598,002 alleles (0.0024%); highest among the groups gnomAD compares: South Asian, 0.034%; no homozygotes.

Submissions (2):

Labcorp Genetics (formerly Invitae), Labcorp
Classification: Uncertain significance. Last evaluated: 2025-05-14. Review status: criteria provided, single submitter. Criteria: Invitae Variant Classification Sherloc (09022015). Collection method: clinical testing. Allele origin: germline.
Comment: This sequence change replaces proline, which is neutral and non-polar, with serine, which is neutral and polar, at codon 212 of the PRDM13 protein (p.Pro212Ser). This variant is present in population databases (rs571366042, gnomAD 0.03%). This variant has not been reported in the literature in individuals affected with PRDM13-related conditions. ClinVar contains an entry for this variant (Variation ID: 938639). An algorithm developed to predict the effect of missense changes on protein structure and function outputs the following: PolyPhen-2: "Benign". The serine amino acid residue is found in multiple mammalian species, which suggests that this missense change does not adversely affect protein function. In summary, the available evidence is currently insufficient to determine the role of this variant in disease. Therefore, it has been classified as a Variant of Uncertain Significance.

Ambry Genetics
Classification: Uncertain significance for Inborn genetic diseases. Last evaluated: 2023-03-07. Review status: criteria provided, single submitter. Criteria: Ambry Variant Classification Scheme 2023. Collection method: clinical testing. Allele origin: germline.